The following is an entry in ClinVar:

ClinVar aggregate classification (germline): Uncertain significance (1 of 4 stars; one submission).

Conditions:
Neurodevelopmental disorder. Identifiers: MedGen C1535926, MeSH D065886, MONDO:0700092.

Submission:

Victorian Clinical Genetics Services, Murdoch Childrens Research Institute
Classification: Uncertain significance for Neurodevelopmental disorder. Last evaluated: 2025-07-29. Review status: criteria provided, single submitter. Criteria: ACMG Guidelines, 2015. Collection method: clinical testing. Allele origin: germline. Affected: yes.
Comment: This variant is classified as VUS-3B. Evidence in support of pathogenic classification: Variant is absent from gnomAD (v2, v3 and v4). Evidence in support of benign classification: Missense variant predicted to be tolerated by in silico tool(s) or not conserved in placental mammals with a minor amino acid change. Additional information: Variant is predicted to result in a missense amino acid change from threonine to serine; This variant is non-coding in an alternative transcript. This variant is coding in the neural progenitor cell isoform; however, it is located in the 3'UTR of the neuronal isoform (PMID: 34906466); This variant is heterozygous; This gene has been reported to be associated with both recessive and dominant disease; however, the gene-disease association is not well-established (PMID: 34906466); This variant has no previous evidence of pathogenicity; No published evidence of segregation with disease has been identified for this variant; No published functional evidence has been identified for this variant; No comparable missense variants have previous evidence for pathogenicity; Variant is not located in an established domain, motif, hotspot or informative constraint region; The mechanism of disease for this gene is not clearly established. However, loss of function is a suggested mechanism of disease associated with neurodevelopmental disorder (MONDO:0700092), ADD1-related (PMID: 34906466); Inheritance information for this variant is not currently available in this individual.

Literature cited by the submitters: PubMed 34906466.

NM_001354761.2(ADD1):c.2357C>G (p.Thr786Ser)

Gene: ADD1 (adducin 1; plus strand). Cytogenetic location: 4p16.3.
Variant type: single nucleotide variant.
Coding change: c.2357C>G on transcript NM_001354761.2 (MANE Select); coding-DNA position 2357, C replaced by G.
Protein change: p.Thr786Ser; replaces threonine 786 with serine.
Molecular consequence: missense variant. On other transcripts: 3 prime UTR variant (7).
Genome position (GRCh38, 1-based): chr4:2,928,480, C>G. VCF-style: chr4-2928480-C-G. GRCh37 (hg19) VCF-style: chr4-2930207-C-G.
Other names: c.2171C>G, p.Thr724Ser (NM_001119.5, NM_001354754.2, NM_001354755.2); c.*309C>G (NM_001286645.2, NM_001354757.2, NM_001354758.2 and 4 more transcripts); c.2264C>G, p.Thr755Ser (NM_001354756.2, NM_014189.4); short protein forms T724S, T755S, T786S.
Identifiers: ClinVar variation 4531937 (VCV004531937.1).